The following is an entry in ClinVar:

NM_020738.4(KIDINS220):c.2932C>T (p.Arg978Trp)

Gene: KIDINS220 (kinase D interacting substrate 220; minus strand). Cytogenetic location: 2p25.1.
Variant type: single nucleotide variant.
Coding change: c.2932C>T on transcript NM_020738.4 (MANE Select); coding-DNA position 2932, C replaced by T.
Protein change: p.Arg978Trp; replaces arginine 978 with tryptophan.
Molecular consequence: missense variant. On other transcripts: non-coding transcript variant (2).
Genome position (GRCh38, 1-based): chr2:8,770,749, G>A on the plus strand (C>T on the coding strand, the complement: KIDINS220 is on the minus strand). VCF-style: chr2-8770749-G-A. GRCh37 (hg19) VCF-style: chr2-8910879-G-A.
Other names: c.2935C>T, p.Arg979Trp (NM_001348729.2, NM_001348731.2, NM_001348734.2 and 3 more transcripts); c.2932C>T, p.Arg978Trp (NM_001348732.2, NM_001348735.2, NM_001348738.2 and 3 more transcripts); c.2806C>T, p.Arg936Trp (NM_001348736.2); short protein forms R936W, R978W, R979W.
Identifiers: ClinVar variation 4999214 (VCV004999214.1).

ClinVar aggregate classification (germline): Uncertain significance (1 of 4 stars; one submission).

Conditions:
KIDINS220-related disorder. Also called: KIDINS220-related condition.

gnomAD v4.1: 8 of 1,610,754 alleles (0.0005%); highest among the groups gnomAD compares: Middle Eastern, 0.017%; no homozygotes.

Submission:

PreventionGenetics, part of Exact Sciences
Classification: Uncertain significance for KIDINS220-related condition. Last evaluated: 2025-08-26. Review status: criteria provided, single submitter. Criteria: ACMG Guidelines, 2015. Collection method: clinical testing. Allele origin: germline.
Comment: The KIDINS220 c.2932C>T variant is predicted to result in the amino acid substitution p.Arg978Trp. To our knowledge, this variant has not been reported in the literature. This variant is reported in 0.0065% of alleles in individuals of African descent in gnomAD. At this time, the clinical significance of this variant is uncertain due to the absence of conclusive functional and genetic evidence.